The following is an entry in ClinVar:

ClinVar aggregate classification (germline): Pathogenic (1 of 4 stars; one submission).

Submission:

GeneDx
Classification: Pathogenic. Last evaluated: 2017-02-22. Review status: criteria provided, single submitter. Criteria: GeneDx Variant Classification (06012015). Collection method: clinical testing. Allele origin: germline. Affected: yes.
Comment: The Q563X variant in the PKD1 gene has been reported previously in a family with polycystic kidney disease (McCluskey et al., 2002). This variant is predicted to cause loss of normal protein function either through protein truncation or nonsense-mediated mRNA decay. The Q563X variant is not observed in large population cohorts (Lek et al., 2016; 1000 Genomes Consortium et al., 2015; Exome Variant Server). We interpret Q563X as a pathogenic variant.

NM_001009944.3(PKD1):c.1687C>T (p.Gln563Ter)

Gene: PKD1 (polycystin 1, transient receptor potential channel interacting; minus strand). Cytogenetic location: 16p13.3.
Variant type: single nucleotide variant.
Coding change: c.1687C>T on transcript NM_001009944.3 (MANE Select); coding-DNA position 1687, C replaced by T.
Protein change: p.Gln563Ter; replaces glutamine 563 with a stop codon.
Molecular consequence: nonsense.
Genome position (GRCh38, 1-based): chr16:2,116,564, G>A on the plus strand (C>T on the coding strand, the complement: PKD1 is on the minus strand). VCF-style: chr16-2116564-G-A. GRCh37 (hg19) VCF-style: chr16-2166565-G-A.
Other names: c.1687C>T, p.Gln563Ter (NM_000296.4); short protein forms Q563*.
Identifiers: ClinVar variation 419961 (VCV000419961.2), dbSNP rs1064794207, ClinGen allele CA16620111.